The following is an entry in ClinVar:

ClinVar aggregate classification (germline): Pathogenic (1 of 4 stars; one submission).

Submission:

Labcorp Genetics (formerly Invitae), Labcorp
Classification: Pathogenic. Last evaluated: 2023-08-14. Review status: criteria provided, single submitter. Criteria: Invitae Variant Classification Sherloc (09022015). Collection method: clinical testing. Allele origin: germline.
Comment: This sequence change creates a premature translational stop signal (p.Ser1282Alafs*28) in the NALCN gene. It is expected to result in an absent or disrupted protein product. Loss-of-function variants in NALCN are known to be pathogenic (PMID: 23749988, 24075186). This variant is not present in population databases (gnomAD no frequency). This variant has not been reported in the literature in individuals affected with NALCN-related conditions. For these reasons, this variant has been classified as Pathogenic.

Literature cited by the submitters: PubMed 23749988; PubMed 24075186.

NM_052867.4(NALCN):c.3843_3844del (p.Ser1282fs)

Gene: NALCN (sodium leak channel, non-selective; minus strand). Cytogenetic location: 13q32.3.
Variant type: Deletion.
Coding change: c.3843_3844del on transcript NM_052867.4 (MANE Select); coding-DNA positions 3843 to 3844, 2 bases deleted (GT; older notation c.3843_3844delGT).
Protein change: p.Ser1282fs; shifts the reading frame from serine 1282.
Molecular consequence: frameshift variant.
Genome position (GRCh38, 1-based): chr13:101,081,568-101,081,569, AC deleted on the plus strand (GT on the coding strand, the reverse complement: NALCN is on the minus strand). VCF-style (leftmost placement, unchanged base first): chr13-101081567-GAC-G. GRCh37 (hg19) VCF-style: chr13-101733918-GAC-G.
Other names: c.3930_3931del, p.Ser1311fs (NM_001350748.2); c.3843_3844del, p.Ser1282fs (NM_001350749.2); c.3756_3757del, p.Ser1253fs (NM_001350750.2, NM_001350751.2); short protein forms S1253fs, S1311fs, S1282fs.
Identifiers: ClinVar variation 2791116 (VCV002791116.3), dbSNP rs2501976400, ClinGen allele CA2739277734.